The following is an entry in ClinVar:

ClinVar aggregate classification (germline): Benign (1 of 4 stars; one submission).

Conditions:
Leigh syndrome (NULS). Also called: Leigh's necrotizing encephalopathy; Leigh's disease; Leigh Syndrome (mtDNA deletion); Leigh Disease; Subacute necrotizing encephalopathy; Necrotizing encephalopathy infantile subacute of Leigh. Identifiers: Orphanet 506, MedGen C2931891, MONDO:0009723, OMIM 256000.

Submission:

Wong Mito Lab, Molecular and Human Genetics, Baylor College of Medicine
Classification: Benign for Leigh syndrome. Last evaluated: 2019-10-17. Review status: criteria provided, single submitter. Criteria: Modified ACMG Guidelines (Unpublished). Collection method: clinical testing. Allele origin: germline.
Comment: The NC_012920.1:m.12361A>G (YP_003024036.1:p.Thr9Ala) variant in MTND5 gene is interpretated to be a Benign variant based on the modified ACMG guidelines (unpublished). This variant meets the following evidence codes: BS1, BS2

NC_012920.1(MT-ND5):m.12361A>G

Gene: MT-ND5 (mitochondrially encoded NADH dehydrogenase 5; plus strand).
Variant type: single nucleotide variant.
Genome position: chrM-12361-A-G.
Identifiers: ClinVar variation 693425 (VCV000693425.1), dbSNP rs3134561, ClinGen allele CA337099462.